The following is an entry in ClinVar:

NM_004168.4(SDHA):c.1201C>T (p.Pro401Ser)

Gene: SDHA (succinate dehydrogenase complex flavoprotein subunit A; plus strand). Cytogenetic location: 5p15.33.
Variant type: single nucleotide variant.
Coding change: c.1201C>T on transcript NM_004168.4 (MANE Select); coding-DNA position 1201, C replaced by T.
Protein change: p.Pro401Ser; replaces proline 401 with serine.
Molecular consequence: missense variant.
Genome position (GRCh38, 1-based): chr5:235,280, C>T. VCF-style: chr5-235280-C-T. GRCh37 (hg19) VCF-style: chr5-235395-C-T.
Other names: c.1057C>T, p.Pro353Ser (NM_001294332.2); c.1201C>T, p.Pro401Ser (NM_001330758.2); c.1201C>T (NM_004168.2); short protein forms P353S, P401S.
Identifiers: ClinVar variation 1004742 (VCV001004742.11), dbSNP rs1560996818, ClinGen allele CA359013656.

ClinVar aggregate classification (germline): Uncertain significance. Review status: criteria provided, multiple submitters, no conflicts (2 of 4 stars). 2 submissions from 2 submitters: Uncertain significance (2). Last evaluated 2026-01-29.

Conditions:
Hereditary cancer-predisposing syndrome. Also called: Tumor predisposition; Hereditary neoplastic syndrome; Neoplastic Syndromes, Hereditary; Hereditary Cancer Syndrome. Identifiers: Orphanet 140162, MedGen C0027672, MeSH D009386, MONDO:0015356.
Mitochondrial complex II deficiency, nuclear type 1. Also called: SUCCINATE CoQ REDUCTASE DEFICIENCY. Identifiers: Orphanet 3208, MedGen C5700310, MONDO:0100294, OMIM 252011.
Pheochromocytoma/paraganglioma syndrome 5. Also called: Paragangliomas 5; SDHA-Related Hereditary Paraganglioma-Pheochromocytoma Syndrome. Identifiers: Orphanet 29072, MedGen C3279992, MONDO:0013602, OMIM 614165.

Submissions (2):

Ambry Genetics
Classification: Uncertain significance for Hereditary cancer-predisposing syndrome. Last evaluated: 2026-01-29. Review status: criteria provided, single submitter. Criteria: Ambry Variant Classification Scheme 2023. Collection method: clinical testing. Allele origin: germline.
Comment: The p.P401S variant (also known as c.1201C>T), located in coding exon 9 of the SDHA gene, results from a C to T substitution at nucleotide position 1201. The proline at codon 401 is replaced by serine, an amino acid with similar properties. This amino acid position is highly conserved in available vertebrate species. In addition, this alteration is predicted to be deleterious by in silico analysis. Based on the available evidence, the clinical significance of this variant remains unclear.

Labcorp Genetics (formerly Invitae), Labcorp
Classification: Uncertain significance for Pheochromocytoma/paraganglioma syndrome 5; Mitochondrial complex II deficiency, nuclear type 1. Last evaluated: 2022-12-26. Review status: criteria provided, single submitter. Criteria: Invitae Variant Classification Sherloc (09022015). Collection method: clinical testing. Allele origin: germline.
Comment: ClinVar contains an entry for this variant (Variation ID: 1004742). This variant has not been reported in the literature in individuals affected with SDHA-related conditions. This variant is not present in population databases (gnomAD no frequency). This sequence change replaces proline, which is neutral and non-polar, with serine, which is neutral and polar, at codon 401 of the SDHA protein (p.Pro401Ser). Algorithms developed to predict the effect of missense changes on protein structure and function (SIFT, PolyPhen-2, Align-GVGD) all suggest that this variant is likely to be disruptive. In summary, the available evidence is currently insufficient to determine the role of this variant in disease. Therefore, it has been classified as a Variant of Uncertain Significance.